The following is an entry in ClinVar:

NM_022916.6(VPS33A):c.274A>C (p.Ile92Leu)

Gene: VPS33A (VPS33A core subunit of CORVET and HOPS complexes; minus strand). Cytogenetic location: 12q24.31.
Variant type: single nucleotide variant.
Coding change: c.274A>C on transcript NM_022916.6 (MANE Select); coding-DNA position 274, A replaced by C.
Protein change: p.Ile92Leu; replaces isoleucine 92 with leucine.
Molecular consequence: missense variant.
Genome position (GRCh38, 1-based): chr12:122,263,594, T>G on the plus strand (A>C on the coding strand, the complement: VPS33A is on the minus strand). VCF-style: chr12-122263594-T-G. GRCh37 (hg19) VCF-style: chr12-122748141-T-G.
Other names: p.Ile92Leu; c.241A>C, p.Ile81Leu (NM_001351018.2); c.226A>C, p.Ile76Leu (NM_001351019.2); c.274A>C, p.Ile92Leu (NM_001351020.2, NM_001351021.2); short protein forms I81L, I76L, I92L.
Identifiers: ClinVar variation 775318 (VCV000775318.14), dbSNP rs114821540, ClinGen allele CA6844657.

ClinVar aggregate classification (germline): Benign/Likely benign. Review status: criteria provided, multiple submitters, no conflicts (2 of 4 stars). 4 submissions from 4 submitters: Benign (2); Likely benign (1). 1 of the submissions does not count toward it. Last evaluated 2026-01-26.

Conditions:
VPS33A-related disorder. Also called: VPS33A-related condition.

Allele frequency attached by ClinVar (database versions not stated): gnomAD exomes 0.00079; ExAC 0.00110; 1000 Genomes Project 0.00260; 1000 Genomes Project 30x 0.00281; gnomAD 0.00342 and 0.00361; TOPMed 0.00377; ESP Exome Variant Server 0.00423.
gnomAD v4.1: 949 of 1,610,516 alleles (0.059%); highest among the groups gnomAD compares: African/African-American, 1.1%; 3 homozygotes.

Submissions (4):

Labcorp Genetics (formerly Invitae), Labcorp
Classification: Benign. Last evaluated: 2026-01-26. Review status: criteria provided, single submitter. Criteria: Invitae Variant Classification Sherloc (09022015). Collection method: clinical testing. Allele origin: germline.

Mayo Clinic Laboratories, Mayo Clinic
Classification: Likely benign. Last evaluated: 2024-10-31. Review status: criteria provided, single submitter. Criteria: ACMG Guidelines, 2015. Collection method: clinical testing. Allele origin: germline. Observed: 2 variant alleles.
Comment: BS1

Breakthrough Genomics
Classification: Benign. Review status: criteria provided, single submitter. Criteria: ACMG Guidelines, 2015. Collection method: not provided. Allele origin: germline. Inheritance: Autosomal recessive inheritance. Affected: yes.

PreventionGenetics, part of Exact Sciences
Classification: Likely benign for VPS33A-related condition. Last evaluated: 2019-03-06. Review status: no assertion criteria provided. Collection method: clinical testing. Allele origin: germline. Not counted in ClinVar's aggregate classification.
Comment: This variant is classified as likely benign based on ACMG/AMP sequence variant interpretation guidelines (Richards et al. 2015 PMID: 25741868, with internal and published modifications).